The following is an entry in ClinVar:

NM_017654.4(SAMD9):c.584A>T (p.His195Leu)

Gene: SAMD9 (sterile alpha motif domain containing 9; minus strand). Cytogenetic location: 7q21.2.
Variant type: single nucleotide variant.
Coding change: c.584A>T on transcript NM_017654.4 (MANE Select); coding-DNA position 584, A replaced by T.
Protein change: p.His195Leu; replaces histidine 195 with leucine.
Molecular consequence: missense variant.
Genome position (GRCh38, 1-based): chr7:93,105,514, T>A on the plus strand (A>T on the coding strand, the complement: SAMD9 is on the minus strand). VCF-style: chr7-93105514-T-A. GRCh37 (hg19) VCF-style: chr7-92734827-T-A.
Other names: c.584A>T, p.His195Leu (NM_001193307.2); short protein forms H195L.
Identifiers: ClinVar variation 3791934 (VCV003791934.1).

ClinVar aggregate classification (germline): Uncertain significance (1 of 4 stars; one submission).

Conditions:
Inborn genetic diseases. Identifiers: MedGen C0950123, MeSH D030342.

Submission:

Ambry Genetics
Classification: Uncertain significance for Inborn genetic diseases. Last evaluated: 2024-12-20. Review status: criteria provided, single submitter. Criteria: Ambry Variant Classification Scheme 2023. Collection method: clinical testing. Allele origin: germline.
Comment: The p.H195L variant (also known as c.584A>T), located in coding exon 1 of the SAMD9 gene, results from an A to T substitution at nucleotide position 584. The histidine at codon 195 is replaced by leucine, an amino acid with similar properties. This amino acid position is conserved. In addition, the in silico prediction for this alteration is inconclusive. Based on the available evidence, the clinical significance of this variant remains unclear.